The following is an entry in ClinVar:

NM_000143.4(FH):c.1112A>G (p.Lys371Arg)

Gene: FH (fumarate hydratase; minus strand). Cytogenetic location: 1q43.
Variant type: single nucleotide variant.
Coding change: c.1112A>G on transcript NM_000143.4 (MANE Select); coding-DNA position 1112, A replaced by G.
Protein change: p.Lys371Arg; replaces lysine 371 with arginine.
Molecular consequence: missense variant.
Genome position (GRCh38, 1-based): chr1:241,502,567, T>C on the plus strand (A>G on the coding strand, the complement: FH is on the minus strand). VCF-style: chr1-241502567-T-C. GRCh37 (hg19) VCF-style: chr1-241665867-T-C.
Other names: short protein forms K371R.
Identifiers: ClinVar variation 2605793 (VCV002605793.4), dbSNP rs1553340891, ClinGen allele CA321448.
Genomic context (GRCh38, chr1:241,502,567, plus strand): 5'-TGGTTCCCCATGACTTGGGCTGCAACCATGGTCATTGCTTCACACTGAGTAGGGTTCACC[T>C]TGCCTTCAAGAAAACCACCAATGACAGAGTAAAGACTAAATTTATGCAAATAATCAGGAG-3'
Protein context (NP_000134.2, residues 361-381): NEPGSSIMPG[Lys371Arg]VNPTQCEAMT

ClinVar aggregate classification (germline): Conflicting classifications of pathogenicity. Review status: criteria provided, conflicting classifications (1 of 4 stars). 2 submissions from 2 submitters: Likely pathogenic (1); Uncertain significance (1). Last evaluated 2024-08-30.

Conditions:
Hereditary cancer-predisposing syndrome. Also called: Tumor predisposition; Hereditary Cancer Syndrome; Hereditary neoplastic syndrome; Neoplastic Syndromes, Hereditary. Identifiers: Orphanet 140162, MedGen C0027672, MeSH D009386, MONDO:0015356.

Submissions (2):

Labcorp Genetics (formerly Invitae), Labcorp
Classification: Uncertain significance. Last evaluated: 2024-08-30. Review status: criteria provided, single submitter. Criteria: Invitae Variant Classification Sherloc (09022015). Collection method: clinical testing. Allele origin: germline.
Comment: This sequence change replaces lysine, which is basic and polar, with arginine, which is basic and polar, at codon 371 of the FH protein (p.Lys371Arg). This variant is not present in population databases (gnomAD no frequency). This variant has not been reported in the literature in individuals affected with FH-related conditions. ClinVar contains an entry for this variant (Variation ID: 2605793). Invitae Evidence Modeling of protein sequence and biophysical properties (such as structural, functional, and spatial information, amino acid conservation, physicochemical variation, residue mobility, and thermodynamic stability) indicates that this missense variant is expected to disrupt FH protein function with a positive predictive value of 95%. RNA analysis performed to evaluate the impact of this missense change on mRNA splicing indicates it does not significantly alter splicing (internal data). In summary, the available evidence is currently insufficient to determine the role of this variant in disease. Therefore, it has been classified as a Variant of Uncertain Significance.

Ambry Genetics
Classification: Likely pathogenic for Hereditary cancer-predisposing syndrome. Last evaluated: 2023-08-04. Review status: criteria provided, single submitter. Criteria: Ambry Variant Classification Scheme 2023. Collection method: clinical testing. Allele origin: germline.
Comment: The p.K371R variant (also known as c.1112A>G), located in coding exon 8 of the FH gene, results from an A to G substitution at nucleotide position 1112. The lysine at codon 371 is replaced by arginine, an amino acid with highly similar properties. This alteration has been observed in at least two individuals with a personal and/or family history that is consistent with FH-related disease (Ambry internal data; S&aacute;nchez-Heras AB et al. Cancers (Basel), 2020 Nov;12). This amino acid position is highly conserved in available vertebrate species. In addition, this alteration is predicted to be deleterious by in silico analysis. Based on the majority of available evidence to date, this variant is likely to be pathogenic.

Literature cited by the submitters: PubMed 33167498 (cited by Ambry Genetics).